The following is an entry in ClinVar:

ClinVar aggregate classification (germline): Uncertain significance. Review status: criteria provided, multiple submitters, no conflicts (2 of 4 stars). 3 submissions from 3 submitters: Uncertain significance (3). Last evaluated 2025-08-30.

Conditions:
Joubert syndrome 23 (JBTS23). Identifiers: Orphanet 475, MedGen C4084822, MONDO:0014664, OMIM 616490.
Short-rib thoracic dysplasia 14 with polydactyly (SRTD14). Identifiers: Orphanet 397715, MedGen C4225286, MONDO:0014688, OMIM 616546.
Inborn genetic diseases. Identifiers: MedGen C0950123, MeSH D030342.

Allele frequency attached by ClinVar (database versions not stated): gnomAD 0.00001; ESP Exome Variant Server 0.00009.

Submissions (3):

Ambry Genetics
Classification: Uncertain significance for Inborn genetic diseases. Last evaluated: 2025-08-30. Review status: criteria provided, single submitter. Criteria: Ambry Variant Classification Scheme 2023. Collection method: clinical testing. Allele origin: germline.

Labcorp Genetics (formerly Invitae), Labcorp
Classification: Uncertain significance for Joubert syndrome 23; Short-rib thoracic dysplasia 14 with polydactyly. Last evaluated: 2022-10-17. Review status: criteria provided, single submitter. Criteria: Invitae Variant Classification Sherloc (09022015). Collection method: clinical testing. Allele origin: germline.
Comment: This sequence change replaces proline, which is neutral and non-polar, with serine, which is neutral and polar, at codon 906 of the KIAA0586 protein (p.Pro906Ser). The frequency data for this variant in the population databases is considered unreliable, as metrics indicate poor data quality at this position in the gnomAD database. This variant has not been reported in the literature in individuals affected with KIAA0586-related conditions. Algorithms developed to predict the effect of missense changes on protein structure and function (SIFT, PolyPhen-2, Align-GVGD) all suggest that this variant is likely to be tolerated. In summary, the available evidence is currently insufficient to determine the role of this variant in disease. Therefore, it has been classified as a Variant of Uncertain Significance.

Blueprint Genetics
Classification: Uncertain significance. Last evaluated: 2018-10-19. Review status: criteria provided, single submitter. Criteria: ACMG Guidelines, 2015. Collection method: clinical testing. Allele origin: germline.

NM_001329943.3(KIAA0586):c.2557C>T (p.Pro853Ser)

Gene: KIAA0586 (KIAA0586; plus strand). Cytogenetic location: 14q23.1.
Variant type: single nucleotide variant.
Coding change: c.2557C>T on transcript NM_001329943.3 (MANE Select); coding-DNA position 2557, C replaced by T.
Protein change: p.Pro853Ser; replaces proline 853 with serine.
Molecular consequence: missense variant.
Genome position (GRCh38, 1-based): chr14:58,472,202, C>T. VCF-style: chr14-58472202-C-T. GRCh37 (hg19) VCF-style: chr14-58938920-C-T.
Other names: c.2716C>T, p.Pro906Ser (NM_001244189.2); c.2512C>T, p.Pro838Ser (NM_001244190.2); c.2302C>T, p.Pro768Ser (NM_001244191.2, NM_001329945.2, NM_001364700.1 and 1 more transcripts); c.2425C>T, p.Pro809Ser (NM_001244192.2); c.2137C>T, p.Pro713Ser (NM_001244193.2); c.2557C>T, p.Pro853Ser (NM_001329944.2, NM_001329946.2, NM_001329947.2); c.2329C>T, p.Pro777Ser (NM_014749.5); c.2329C>T (NM_014749.3); short protein forms P713S, P768S, P777S, P809S, P838S, P853S, P906S.
Identifiers: ClinVar variation 2414597 (VCV002414597.4), dbSNP rs367573993, ClinGen allele CA261639928.
Genomic context (GRCh38, chr14:58,472,202, plus strand): 5'-CTTATAAATTTTAAAAGTGTTAAGCACAACAAAAACTTTCTGAAAATGCTTTCTTAGACT[C>T]CAGAAATTATGAAGGTAGATGAAGAAGAGGTGAAGTTTCCAGGAACTAACTTTGATGAAA-3'
Protein context (NP_001316872.1, residues 843-863): LPPVQTWIKT[Pro853Ser]EIMKVDEEEV